The following is an entry in ClinVar:

ClinVar aggregate classification (germline): Uncertain significance. Review status: criteria provided, multiple submitters, no conflicts (2 of 4 stars). 3 submissions from 3 submitters: Uncertain significance (2). 1 of the submissions does not count toward it. Last evaluated 2025-07-16.

Conditions:
Inborn genetic diseases. Identifiers: MedGen C0950123, MeSH D030342.
KRT2-related disorder. Also called: KRT2-related condition.

Allele frequency attached by ClinVar (database versions not stated): ExAC 0.00018; TOPMed 0.00019; ESP Exome Variant Server 0.00023; gnomAD 0.00025; gnomAD exomes 0.00026; 1000 Genomes Project 30x 0.00031; 1000 Genomes Project 0.00040.

Submissions (3):

Labcorp Genetics (formerly Invitae), Labcorp
Classification: Uncertain significance. Last evaluated: 2025-07-16. Review status: criteria provided, single submitter. Criteria: Invitae Variant Classification Sherloc (09022015). Collection method: clinical testing. Allele origin: germline.
Comment: This sequence change replaces arginine, which is basic and polar, with glutamine, which is neutral and polar, at codon 544 of the KRT2 protein (p.Arg544Gln). This variant is present in population databases (rs142557360, gnomAD 0.03%). This variant has not been reported in the literature in individuals affected with KRT2-related conditions. ClinVar contains an entry for this variant (Variation ID: 2347137). Invitae Evidence Modeling of protein sequence and biophysical properties (such as structural, functional, and spatial information, amino acid conservation, physicochemical variation, residue mobility, and thermodynamic stability) indicates that this missense variant is not expected to disrupt KRT2 protein function with a negative predictive value of 80%. In summary, the available evidence is currently insufficient to determine the role of this variant in disease. Therefore, it has been classified as a Variant of Uncertain Significance.

Ambry Genetics
Classification: Uncertain significance for Inborn genetic diseases. Last evaluated: 2022-03-29. Review status: criteria provided, single submitter. Criteria: Ambry Variant Classification Scheme 2023. Collection method: clinical testing. Allele origin: germline.

PreventionGenetics, part of Exact Sciences
Classification: Uncertain significance for KRT2-related condition. Last evaluated: 2024-07-30. Review status: no assertion criteria provided. Collection method: clinical testing. Allele origin: germline. Not counted in ClinVar's aggregate classification.
Comment: The KRT2 c.1631G>A variant is predicted to result in the amino acid substitution p.Arg544Gln. To our knowledge, this variant has not been reported in the literature. This variant is reported in 0.032% of alleles in individuals of African descent in gnomAD, which may be too frequent to be a primary cause of disease. Although we suspect that this variant may be benign, at this time, the clinical significance of this variant is uncertain due to the absence of conclusive functional and genetic evidence.

NM_000423.3(KRT2):c.1631G>A (p.Arg544Gln)

Gene: KRT2 (keratin 2; minus strand). Cytogenetic location: 12q13.13.
Variant type: single nucleotide variant.
Coding change: c.1631G>A on transcript NM_000423.3 (MANE Select); coding-DNA position 1631, G replaced by A.
Protein change: p.Arg544Gln; replaces arginine 544 with glutamine.
Molecular consequence: missense variant.
Genome position (GRCh38, 1-based): chr12:52,645,308, C>T on the plus strand (G>A on the coding strand, the complement: KRT2 is on the minus strand). VCF-style: chr12-52645308-C-T. GRCh37 (hg19) VCF-style: chr12-53039092-C-T.
Other names: short protein forms R544Q.
Identifiers: ClinVar variation 2347137 (VCV002347137.4), dbSNP rs142557360, ClinGen allele CA6585402.